The following is an entry in ClinVar:

NM_025009.5(CEP135):c.1277G>A (p.Arg426Lys)

Gene: CEP135 (centrosomal protein 135; plus strand). Cytogenetic location: 4q12.
Variant type: single nucleotide variant.
Coding change: c.1277G>A on transcript NM_025009.5 (MANE Select); coding-DNA position 1277, G replaced by A.
Protein change: p.Arg426Lys; replaces arginine 426 with lysine.
Molecular consequence: missense variant.
Genome position (GRCh38, 1-based): chr4:55,974,773, G>A. VCF-style: chr4-55974773-G-A. GRCh37 (hg19) VCF-style: chr4-56840939-G-A.
Other names: c.1277G>A (NM_025009.3, NM_025009.4); short protein forms R426K.
Identifiers: ClinVar variation 2140410 (VCV002140410.4), dbSNP rs202074915, ClinGen allele CA2927825.

ClinVar aggregate classification (germline): Conflicting classifications of pathogenicity. Review status: criteria provided, conflicting classifications (1 of 4 stars). 3 submissions from 3 submitters: Uncertain significance (2); Likely benign (1). Last evaluated 2026-03-30.

Conditions:
Inborn genetic diseases. Identifiers: MedGen C0950123, MeSH D030342.

Allele frequency attached by ClinVar (database versions not stated): ExAC 0.00021.
gnomAD v4.1: 93 of 1,613,092 alleles (0.0058%); highest among the groups gnomAD compares: Admixed American, 0.098%; no homozygotes.

Submissions (3):

GeneDx
Classification: Uncertain significance. Last evaluated: 2026-03-30. Review status: criteria provided, single submitter. Criteria: GeneDx Variant Classification Process June 2021. Collection method: clinical testing. Allele origin: germline.
Comment: In silico analysis suggests that this missense variant does not alter protein structure/function; Has not been previously published as pathogenic or benign to our knowledge

Ambry Genetics
Classification: Likely benign for Inborn genetic diseases. Last evaluated: 2023-02-16. Review status: criteria provided, single submitter. Criteria: Ambry Variant Classification Scheme 2023. Collection method: clinical testing. Allele origin: germline.

Labcorp Genetics (formerly Invitae), Labcorp
Classification: Uncertain significance. Last evaluated: 2022-06-14. Review status: criteria provided, single submitter. Criteria: Invitae Variant Classification Sherloc (09022015). Collection method: clinical testing. Allele origin: germline.
Comment: This sequence change replaces arginine, which is basic and polar, with lysine, which is basic and polar, at codon 426 of the CEP135 protein (p.Arg426Lys). This variant is present in population databases (rs202074915, gnomAD 0.09%). This variant has not been reported in the literature in individuals affected with CEP135-related conditions. Algorithms developed to predict the effect of missense changes on protein structure and function (SIFT, PolyPhen-2, Align-GVGD) all suggest that this variant is likely to be tolerated. In summary, the available evidence is currently insufficient to determine the role of this variant in disease. Therefore, it has been classified as a Variant of Uncertain Significance.